The following is an entry in ClinVar:

NM_000057.4(BLM):c.2596G>A (p.Val866Ile)

Gene: BLM (BLM RecQ like helicase; plus strand). Cytogenetic location: 15q26.1.
Variant type: single nucleotide variant.
Coding change: c.2596G>A on transcript NM_000057.4 (MANE Select); coding-DNA position 2596, G replaced by A.
Protein change: p.Val866Ile; replaces valine 866 with isoleucine.
Molecular consequence: missense variant.
Genome position (GRCh38, 1-based): chr15:90,782,862, G>A. VCF-style: chr15-90782862-G-A. GRCh37 (hg19) VCF-style: chr15-91326092-G-A.
Other names: c.2596G>A, p.Val866Ile (NM_001287246.2, NM_001287247.2); c.1471G>A, p.Val491Ile (NM_001287248.2); c.2596G>A (NM_000057.2); short protein forms V491I, V866I.
Identifiers: ClinVar variation 1036110 (VCV001036110.7), dbSNP rs1316728192, ClinGen allele CA393845677.
Genomic context (GRCh38, chr15:90,782,862, plus strand): 5'-TATGTTTGGGACTTTTTTAGGTTTAGCATGAGCTTTAACAGACATAATCTGAAATACTAT[G>A]TATTACCGAAAAAGCCTAAAAAGGTGGCATTTGATTGCCTAGAATGGATCAGAAAGCACC-3'
Protein context (NP_000048.1, residues 856-876): SFNRHNLKYY[Val866Ile]LPKKPKKVAF

ClinVar aggregate classification (germline): Uncertain significance. Review status: criteria provided, multiple submitters, no conflicts (2 of 4 stars). 2 submissions from 2 submitters: Uncertain significance (2). Last evaluated 2025-01-31.

Conditions:
Hereditary cancer-predisposing syndrome. Also called: Neoplastic Syndromes, Hereditary; Hereditary Cancer Syndrome; Tumor predisposition; Hereditary neoplastic syndrome. Identifiers: Orphanet 140162, MedGen C0027672, MeSH D009386, MONDO:0015356.
Bloom syndrome (BLM). Also called: Bloom-Torre-Machacek syndrome. Identifiers: Orphanet 125, MedGen C0005859, MONDO:0008876, OMIM 210900.

gnomAD v4.1: 1 of 1,613,788 alleles (0.000062%); highest among the groups gnomAD compares: South Asian, 0.0011%; no homozygotes.

Submissions (2):

Ambry Genetics
Classification: Uncertain significance for Hereditary cancer-predisposing syndrome. Last evaluated: 2025-01-31. Review status: criteria provided, single submitter. Criteria: Ambry Variant Classification Scheme 2023. Collection method: clinical testing. Allele origin: germline.
Comment: The p.V866I variant (also known as c.2596G>A), located in coding exon 12 of the BLM gene, results from a G to A substitution at nucleotide position 2596. The valine at codon 866 is replaced by isoleucine, an amino acid with highly similar properties. This amino acid position is conserved. In addition, this alteration is predicted to be tolerated by in silico analysis. Based on the available evidence, the clinical significance of this variant remains unclear.

Labcorp Genetics (formerly Invitae), Labcorp
Classification: Uncertain significance for Bloom syndrome. Last evaluated: 2022-09-01. Review status: criteria provided, single submitter. Criteria: Invitae Variant Classification Sherloc (09022015). Collection method: clinical testing. Allele origin: germline.
Comment: This sequence change replaces valine, which is neutral and non-polar, with isoleucine, which is neutral and non-polar, at codon 866 of the BLM protein (p.Val866Ile). This variant is not present in population databases (gnomAD no frequency). This variant has not been reported in the literature in individuals affected with BLM-related conditions. ClinVar contains an entry for this variant (Variation ID: 1036110). Algorithms developed to predict the effect of missense changes on protein structure and function are either unavailable or do not agree on the potential impact of this missense change (SIFT: "Tolerated"; PolyPhen-2: "Possibly Damaging"; Align-GVGD: "Class C0"). In summary, the available evidence is currently insufficient to determine the role of this variant in disease. Therefore, it has been classified as a Variant of Uncertain Significance.